The following is an entry in ClinVar:

NM_001684.5(ATP2B4):c.13T>G (p.Ser5Ala)

Gene: ATP2B4 (ATPase plasma membrane Ca2+ transporting 4; plus strand). Cytogenetic location: 1q32.1.
Variant type: single nucleotide variant.
Coding change: c.13T>G on transcript NM_001684.5 (MANE Select); coding-DNA position 13, T replaced by G.
Protein change: p.Ser5Ala; replaces serine 5 with alanine.
Molecular consequence: missense variant.
Genome position (GRCh38, 1-based): chr1:203,683,218, T>G. VCF-style: chr1-203683218-T-G. GRCh37 (hg19) VCF-style: chr1-203652346-T-G.
Other names: c.13T>G, p.Ser5Ala (NM_001001396.3, NM_001365783.2, NM_001365784.2); short protein forms S5A.
Identifiers: ClinVar variation 3623227 (VCV003623227.2).
Genomic context (GRCh38, chr1:203,683,218, plus strand): 5'-GAAACGCTACATCTTCTCTGGTTGAGGGGCTTGGTAACAGCAGGCAAAATGACGAACCCA[T>G]CAGACCGTGTCTTGCCTGCCAACTCGATGGCCGAGAGCCGTGAAGGGGACTTTGGCTGCA-3'
Protein context (NP_001675.3, residues 1-15): MTNP[Ser5Ala]DRVLPANSMA

ClinVar aggregate classification (germline): Uncertain significance (1 of 4 stars; one submission).

gnomAD v4.1: 5 of 1,613,812 alleles (0.00031%); highest among the groups gnomAD compares: Non-Finnish European, 0.00034%; no homozygotes.

Submission:

Labcorp Genetics (formerly Invitae), Labcorp
Classification: Uncertain significance. Last evaluated: 2024-10-01. Review status: criteria provided, single submitter. Criteria: Invitae Variant Classification Sherloc (09022015). Collection method: clinical testing. Allele origin: germline.
Comment: This sequence change replaces serine, which is neutral and polar, with alanine, which is neutral and non-polar, at codon 5 of the ATP2B4 protein (p.Ser5Ala). This variant is present in population databases (rs772349464, gnomAD 0.0009%). This variant has not been reported in the literature in individuals affected with ATP2B4-related conditions. An algorithm developed to predict the effect of missense changes on protein structure and function outputs the following: PolyPhen-2: "Benign". The alanine amino acid residue is found in multiple mammalian species, which suggests that this missense change does not adversely affect protein function. In summary, the available evidence is currently insufficient to determine the role of this variant in disease. Therefore, it has been classified as a Variant of Uncertain Significance.